The following is an entry in ClinVar:

NM_000810.4(GABRA5):c.104C>A (p.Thr35Asn)

Gene: GABRA5 (gamma-aminobutyric acid type A receptor subunit alpha5; plus strand). Cytogenetic location: 15q12.
Variant type: single nucleotide variant.
Coding change: c.104C>A on transcript NM_000810.4 (MANE Select); coding-DNA position 104, C replaced by A.
Protein change: p.Thr35Asn; replaces threonine 35 with asparagine.
Molecular consequence: missense variant.
Genome position (GRCh38, 1-based): chr15:26,880,863, C>A. VCF-style: chr15-26880863-C-A. GRCh37 (hg19) VCF-style: chr15-27126010-C-A.
Other names: c.104C>A, p.Thr35Asn (NM_001165037.2); short protein forms T35N.
Identifiers: ClinVar variation 4076914 (VCV004076914.1).

ClinVar aggregate classification (germline): Uncertain significance (1 of 4 stars; one submission).

gnomAD v4.1: 1 of 1,613,782 alleles (0.000062%); highest among the groups gnomAD compares: Non-Finnish European, 0.000085%; no homozygotes.

Submission:

GeneDx
Classification: Uncertain significance. Last evaluated: 2025-02-21. Review status: criteria provided, single submitter. Criteria: GeneDx Variant Classification Process June 2021. Collection method: clinical testing. Allele origin: germline. Affected: yes.
Comment: Not observed at significant frequency in large population cohorts (gnomAD); In silico analysis indicates that this missense variant does not alter protein structure/function; Has not been previously published as pathogenic or benign to our knowledge